The following is an entry in ClinVar:

ClinVar aggregate classification (germline): Benign/Likely benign. Review status: criteria provided, multiple submitters, no conflicts (2 of 4 stars). 3 submissions from 3 submitters: Benign (1); Likely benign (1). 1 of the submissions does not count toward it. Last evaluated 2025-09-27.

Conditions:
CCND2-related disorder. Also called: CCND2-related condition.

Allele frequency attached by ClinVar (database versions not stated): ExAC 0.00023; 1000 Genomes Project 0.00040; 1000 Genomes Project 30x 0.00047; ESP Exome Variant Server 0.00069; gnomAD 0.00071 and 0.00076; TOPMed 0.00090.
gnomAD v4.1: 230 of 1,613,990 alleles (0.014%); highest among the groups gnomAD compares: African/African-American, 0.25%; no homozygotes.

Submissions (3):

Labcorp Genetics (formerly Invitae), Labcorp
Classification: Likely benign. Last evaluated: 2025-09-27. Review status: criteria provided, single submitter. Criteria: Invitae Variant Classification Sherloc (09022015). Collection method: clinical testing. Allele origin: germline.

GeneDx
Classification: Benign. Last evaluated: 2019-10-11. Review status: criteria provided, single submitter. Criteria: GeneDx Variant Classification Process June 2021. Collection method: clinical testing. Allele origin: germline. Affected: yes.

PreventionGenetics, part of Exact Sciences
Classification: Likely benign for CCND2-related condition. Last evaluated: 2021-09-22. Review status: no assertion criteria provided. Collection method: clinical testing. Allele origin: germline. Not counted in ClinVar's aggregate classification.
Comment: This variant is classified as likely benign based on ACMG/AMP sequence variant interpretation guidelines (Richards et al. 2015 PMID: 25741868, with internal and published modifications).

NM_001759.4(CCND2):c.114T>G (p.Leu38=)

Genes: CCND2 (cyclin D2; plus strand), CCND2-AS1 (CCND2 antisense RNA 1; minus strand). Cytogenetic location: 12p13.32.
Variant type: single nucleotide variant.
Coding change: c.114T>G on transcript NM_001759.4 (MANE Select); coding-DNA position 114, T replaced by G.
Protein change: p.Leu38=; no amino-acid change (leucine 38 retained).
Molecular consequence: synonymous variant.
Genome position (GRCh38, 1-based): chr12:4,274,154, T>G. VCF-style: chr12-4274154-T-G. GRCh37 (hg19) VCF-style: chr12-4383320-T-G.
Identifiers: ClinVar variation 1280861 (VCV001280861.11), dbSNP rs146122734, ClinGen allele CA6395156.